The following is an entry in ClinVar:

NM_005629.4(SLC6A8):c.631_633delinsTGG (p.Ile211Trp)

Gene: SLC6A8 (solute carrier family 6 member 8; plus strand). Cytogenetic location: Xq28.
Variant type: Indel.
Coding change: c.631_633delinsTGG on transcript NM_005629.4 (MANE Select); coding-DNA positions 631 to 633, ATC replaced by TGG.
Protein change: p.Ile211Trp; replaces isoleucine 211 with tryptophan.
Molecular consequence: missense variant.
Genome position (GRCh38, 1-based): chrX:153,691,540-153,691,542, ATC replaced by TGG. VCF-style: chrX-153691540-ATC-TGG. GRCh37 (hg19) VCF-style: chrX-152956995-ATC-TGG.
Other names: c.631_633delinsTGG, p.Ile211Trp (NM_001142805.2); c.286_288delinsTGG, p.Ile96Trp (NM_001142806.1); short protein forms I211W, I96W.
Identifiers: ClinVar variation 1718832 (VCV001718832.5), dbSNP rs2522156598, ClinGen allele CA2580101675.

ClinVar aggregate classification (germline): Uncertain significance (1 of 4 stars; one submission).

Conditions:
Creatine transporter deficiency (CCDS1). Also called: Mental retardation , X-linked with seizures, short stature and midface hypoplasia; Mental retardation , X-linked, with creatine transport deficiency; X-linked creatine transporter deficiency; X-linked creatine deficiency syndrome; SLC6A8-Related Creatine Transporter Deficiency; CREATINE TRANSPORTER DEFECT. Identifiers: Orphanet 52503, MedGen C1845862, MONDO:0010305, OMIM 300352.

Submission:

Labcorp Genetics (formerly Invitae), Labcorp
Classification: Uncertain significance for Creatine transporter deficiency. Last evaluated: 2022-09-04. Review status: criteria provided, single submitter. Criteria: Invitae Variant Classification Sherloc (09022015). Collection method: clinical testing. Allele origin: germline.
Comment: Information on the frequency of this variant in the gnomAD database is not available, as this variant may be reported differently in the database. This sequence change replaces isoleucine, which is neutral and non-polar, with tryptophan, which is neutral and slightly polar, at codon 211 of the SLC6A8 protein (p.Ile211Trp). This variant has not been reported in the literature in individuals affected with SLC6A8-related conditions. In summary, the available evidence is currently insufficient to determine the role of this variant in disease. Therefore, it has been classified as a Variant of Uncertain Significance. Algorithms developed to predict the effect of missense changes on protein structure and function are either unavailable or do not agree on the potential impact of this missense change (SIFT: "Not Available"; PolyPhen-2: "Probably Damaging"; Align-GVGD: "Not Available").